The following is an entry in ClinVar:

ClinVar aggregate classification (germline): Uncertain significance (1 of 4 stars; one submission).

Allele frequency attached by ClinVar (database versions not stated): gnomAD 0.00001; TOPMed 0.00001.
gnomAD v4.1: 2 of 1,612,916 alleles (0.00012%); highest among the groups gnomAD compares: Admixed American, 0.0033%; no homozygotes.

Submission:

Athena Diagnostics
Classification: Uncertain significance. Last evaluated: 2023-08-30. Review status: criteria provided, single submitter. Criteria: Athena Diagnostics Criteria. Collection method: clinical testing. Allele origin: unknown.
Comment: Available data are insufficient to determine the clinical significance of the variant at this time. The frequency of this variant in the general population is uninformative in assessment of its pathogenicity. Computational tools yielded predictions that this variant is unlikely to have an effect on normal RNA splicing.

NM_001267550.2(TTN):c.53287+9T>A

Genes: TTN (titin; minus strand), TTN-AS1 (TTN antisense RNA 1; plus strand), LOC126806425 (BRD4-independent group 4 enhancer GRCh37_chr2:179471933-179473132; plus strand). Cytogenetic location: 2q31.2.
Variant type: single nucleotide variant.
Coding change: c.53287+9T>A on transcript NM_001267550.2 (MANE Select); 9 bases into the intron after coding-DNA position 53287, T replaced by A.
Molecular consequence: intron variant.
Genome position (GRCh38, 1-based): chr2:178,607,392, A>T on the plus strand (T>A on the coding strand, the complement: TTN is on the minus strand). VCF-style: chr2-178607392-A-T. GRCh37 (hg19) VCF-style: chr2-179472119-A-T.
Other names: c.26092+9T>A (NM_003319.4); c.26668+9T>A (NM_133437.4); c.26467+9T>A (NM_133432.3); c.45583+9T>A (NM_133378.4); c.48364+9T>A (NM_001256850.1).
Identifiers: ClinVar variation 2684093 (VCV002684093.1), dbSNP rs755211351, ClinGen allele CA538435833.